The following is an entry in ClinVar:

NM_001177316.2(SLC34A3):c.926-14_926-4del

Gene: SLC34A3 (solute carrier family 34 member 3; plus strand). Cytogenetic location: 9q34.3.
Variant type: Deletion.
Coding change: c.926-14_926-4del on transcript NM_001177316.2 (MANE Select); 14 bases into the intron before coding-DNA position 926 through 4 bases into the intron before coding-DNA position 926, 11 bases deleted (TGCCCTGCCCC).
Molecular consequence: intron variant.
Genome position (GRCh38, 1-based): chr9:137,234,095-137,234,105, TGCCCTGCCCC deleted; deleting any 11 consecutive bases within chr9:137,234,087-137,234,105 gives the same sequence; the c. name uses the placement nearest the transcript's 3' end. VCF-style (leftmost placement, unchanged base first): chr9-137234086-ACCTGCCCCTGC-A. GRCh37 (hg19) VCF-style: chr9-140128538-ACCTGCCCCTGC-A.
Other names: c.926-14_926-4del (NM_001177317.2, NM_080877.3).
Identifiers: ClinVar variation 4526817 (VCV004526817.1).

ClinVar aggregate classification (germline): Uncertain significance (1 of 4 stars; one submission).

Conditions:
Autosomal recessive hypophosphatemic bone disease (HHRH). Also called: HYPERCALCIURIC RICKETS; Hypophosphatemic rickets with hypercalciuria. Identifiers: Orphanet 157215, MedGen C1853271, MONDO:0009431, OMIM 241530.

Submission:

Rare Kidney Stone Consortium and the Mayo Clinic Hyperoxaluria Center, Mayo Clinic
Classification: Uncertain significance for Autosomal recessive hypophosphatemic bone disease. Last evaluated: 2025-10-03. Review status: criteria provided, single submitter. Criteria: ACMG Guidelines, 2015. Collection method: research. Allele origin: germline. Observed: 1 variant allele.
Comment: ACMG:PM2

Literature cited by the submitters: PubMed 40794449.